The following is an entry in ClinVar:

NM_174934.4(SCN4B):c.373G>C (p.Asp125His)

Genes: SCN4B (sodium voltage-gated channel beta subunit 4; minus strand), LOC126861356 (BRD4-independent group 4 enhancer GRCh37_chr11:118014519-118015718; plus strand). Cytogenetic location: 11q23.3.
Variant type: single nucleotide variant.
Coding change: c.373G>C on transcript NM_174934.4 (MANE Select); coding-DNA position 373, G replaced by C.
Protein change: p.Asp125His; replaces aspartic acid 125 with histidine.
Molecular consequence: missense variant. On other transcripts: intron variant (1).
Genome position (GRCh38, 1-based): chr11:118,143,923, C>G on the plus strand (G>C on the coding strand, the complement: SCN4B is on the minus strand). VCF-style: chr11-118143923-C-G. GRCh37 (hg19) VCF-style: chr11-118014638-C-G.
Other names: c.43G>C, p.Asp15His (NM_001142349.2); c.62-2587G>C (NM_001142348.2); short protein forms D125H, D15H.
Identifiers: ClinVar variation 1734465 (VCV001734465.2), dbSNP rs1353607051, ClinGen allele CA382778113.

ClinVar aggregate classification (germline): Uncertain significance (1 of 4 stars; one submission).

Conditions:
Cardiovascular phenotype. Identifiers: MedGen CN230736.

Submission:

Ambry Genetics
Classification: Uncertain significance for Cardiovascular phenotype. Last evaluated: 2021-10-07. Review status: criteria provided, single submitter. Criteria: Ambry Variant Classification Scheme 2023. Collection method: clinical testing. Allele origin: germline.
Comment: The p.D125H variant (also known as c.373G>C), located in coding exon 3 of the SCN4B gene, results from a G to C substitution at nucleotide position 373. The aspartic acid at codon 125 is replaced by histidine, an amino acid with similar properties. This amino acid position is conserved. In addition, this alteration is predicted to be deleterious by in silico analysis. Since supporting evidence is limited at this time, the clinical significance of this alteration remains unclear.